The following is an entry in ClinVar:

NM_144643.4(SCLT1):c.925del (p.Glu309fs)

Gene: SCLT1 (sodium channel and clathrin linker 1; minus strand). Cytogenetic location: 4q28.2.
Variant type: Deletion.
Coding change: c.925del on transcript NM_144643.4 (MANE Select); coding-DNA position 925, one base deleted (G; older notation c.925delG).
Protein change: p.Glu309fs; shifts the reading frame from glutamic acid 309.
Molecular consequence: frameshift variant.
Genome position (GRCh38, 1-based): chr4:128,959,722, C deleted on the plus strand (G on the coding strand, the reverse complement: SCLT1 is on the minus strand); the first of 2 consecutive C bases (chr4:128,959,722-128,959,723); deleting either gives the same sequence. VCF-style (leftmost placement, unchanged base first): chr4-128959721-TC-T. GRCh37 (hg19) VCF-style: chr4-129880876-TC-T.
Other names: c.925del, p.Glu309fs (NM_001410807.1); short protein forms E309fs.
Identifiers: ClinVar variation 5001124 (VCV005001124.1).
Genomic context (GRCh38, chr4:128,959,721, plus strand): 5'-GCCTCATATCTCTCATTTTCTAATTCATTGCACTTTGCTTGTAGCTCTCTGGTCTGTTTT[TC>T]CAGATGTGTATTTTCGGTTCTTAATTGGTTGGCTTCTTGGATTGTCACACATAATCTAGA-3'

ClinVar aggregate classification (germline): Likely pathogenic (1 of 4 stars; one submission).

Conditions:
SCLT1-related disorder. Also called: SCLT1-related condition.

Submission:

PreventionGenetics, part of Exact Sciences
Classification: Likely pathogenic for SCLT1-related condition. Last evaluated: 2025-03-26. Review status: criteria provided, single submitter. Criteria: ACMG Guidelines, 2015. Collection method: clinical testing. Allele origin: germline.
Comment: The SCLT1 c.925delG variant is predicted to result in a frameshift and premature protein termination (p.Glu309Lysfs*14). To our knowledge, this variant has not been reported in the literature or in a large population database (gnomAD), indicating this variant is rare. Frameshift variants in SCLT1 are expected to be pathogenic. This variant is interpreted as likely pathogenic.